The following is an entry in ClinVar:

NM_001267550.2(TTN):c.55821G>T (p.Gly18607=)

Genes: TTN-AS1 (TTN antisense RNA 1; plus strand), TTN (titin; minus strand). Cytogenetic location: 2q31.2.
Variant type: single nucleotide variant.
Coding change: c.55821G>T on transcript NM_001267550.2 (MANE Select); coding-DNA position 55821, G replaced by T.
Protein change: p.Gly18607=; no amino-acid change (glycine 18607 retained).
Molecular consequence: synonymous variant.
Genome position (GRCh38, 1-based): chr2:178,601,083, C>A on the plus strand (G>T on the coding strand, the complement: TTN is on the minus strand). VCF-style: chr2-178601083-C-A. GRCh37 (hg19) VCF-style: chr2-179465810-C-A.
Other names: c.50898G>T, p.Gly16966= (NM_001256850.1); c.28626G>T, p.Gly9542= (NM_003319.4); c.48117G>T, p.Gly16039= (NM_133378.4); c.29001G>T, p.Gly9667= (NM_133432.3); c.29202G>T, p.Gly9734= (NM_133437.4).
Identifiers: ClinVar variation 1129912 (VCV001129912.35), dbSNP rs2053309288, ClinGen allele CA430269149.

ClinVar aggregate classification (germline): Likely benign. Review status: criteria provided, multiple submitters, no conflicts (2 of 4 stars). 3 submissions from 3 submitters: Likely benign (3). Last evaluated 2025-09-14.

Conditions:
Cardiovascular phenotype. Identifiers: MedGen CN230736.
Dilated cardiomyopathy 1G (CMD1G). Identifiers: Orphanet 154, MedGen C1858763, MONDO:0011400, OMIM 604145.
Autosomal recessive limb-girdle muscular dystrophy type 2J (LGMDR10). Also called: MUSCULAR DYSTROPHY, LIMB-GIRDLE, AUTOSOMAL RECESSIVE 10; Limb-girdle muscular dystrophy, type 2J. Identifiers: Orphanet 140922, MedGen C1837342, MONDO:0012127, OMIM 608807.

Allele frequency attached by ClinVar (database versions not stated): TOPMed 0.00001.
gnomAD v4.1: 1 of 1,607,962 alleles (0.000062%); no homozygotes.

Submissions (3):

Labcorp Genetics (formerly Invitae), Labcorp
Classification: Likely benign for Dilated cardiomyopathy 1G; Autosomal recessive limb-girdle muscular dystrophy type 2J. Last evaluated: 2025-09-14. Review status: criteria provided, single submitter. Criteria: Invitae Variant Classification Sherloc (09022015). Collection method: clinical testing. Allele origin: germline.

CeGaT Center for Human Genetics Tuebingen
Classification: Likely benign. Last evaluated: 2023-03-01. Review status: criteria provided, single submitter. Criteria: CeGaT Center For Human Genetics Tuebingen Variant Classification Criteria Version 2. Collection method: clinical testing. Allele origin: germline. Affected: yes. Observed: 1 variant allele.
Comment: TTN: PM2:Supporting, BP4, BP7

Ambry Genetics
Classification: Likely benign for Cardiovascular phenotype. Last evaluated: 2020-12-09. Review status: criteria provided, single submitter. Criteria: Ambry Variant Classification Scheme 2023. Collection method: clinical testing. Allele origin: germline.